The following is an entry in ClinVar:

ClinVar aggregate classification (germline): Pathogenic (1 of 4 stars; one submission).

Submission:

Labcorp Genetics (formerly Invitae), Labcorp
Classification: Pathogenic. Last evaluated: 2022-02-22. Review status: criteria provided, single submitter. Criteria: Invitae Variant Classification Sherloc (09022015). Collection method: clinical testing. Allele origin: germline.
Comment: For these reasons, this variant has been classified as Pathogenic. This variant has not been reported in the literature in individuals affected with MME-related conditions. This variant is not present in population databases (gnomAD no frequency). This sequence change creates a premature translational stop signal (p.Leu191Argfs*23) in the MME gene. It is expected to result in an absent or disrupted protein product. Loss-of-function variants in MME are known to be pathogenic (PMID: 26991897).

Literature cited by the submitters: PubMed 26991897.

NM_007289.4(MME):c.572del (p.Leu191fs)

Gene: MME (membrane metalloendopeptidase; plus strand). Cytogenetic location: 3q25.2.
Variant type: Deletion.
Coding change: c.572del on transcript NM_007289.4 (MANE Select); coding-DNA position 572, one base deleted (T; older notation c.572delT).
Protein change: p.Leu191fs; shifts the reading frame from leucine 191.
Molecular consequence: frameshift variant.
Genome position (GRCh38, 1-based): chr3:155,116,904, T deleted. VCF-style (leftmost placement, unchanged base first): chr3-155116903-CT-C. GRCh37 (hg19) VCF-style: chr3-154834692-CT-C.
Other names: c.572del, p.Leu191fs (NM_000902.5, NM_001354642.2, NM_001354643.1 and 2 more transcripts); short protein forms L191fs.
Identifiers: ClinVar variation 2102243 (VCV002102243.4), dbSNP rs2472975711, ClinGen allele CA2580068976.